The following is an entry in ClinVar:

ClinVar aggregate classification (germline): Uncertain significance (1 of 4 stars; one submission).

Conditions:
Catecholaminergic polymorphic ventricular tachycardia 1. Also called: RYR2-Related Catecholaminergic Polymorphic Ventricular Tachycardia; VENTRICULAR TACHYCARDIA, CATECHOLAMINERGIC POLYMORPHIC, 1, WITH OR WITHOUT ATRIAL DYSFUNCTION AND/OR DILATED CARDIOMYOPATHY; VENTRICULAR TACHYCARDIA, STRESS-INDUCED POLYMORPHIC 1. Identifiers: Orphanet 3286, MedGen C1631597, MONDO:0011484, OMIM 604772.

Submission:

Labcorp Genetics (formerly Invitae), Labcorp
Classification: Uncertain significance for Catecholaminergic polymorphic ventricular tachycardia 1. Last evaluated: 2022-11-04. Review status: criteria provided, single submitter. Criteria: Invitae Variant Classification Sherloc (09022015). Collection method: clinical testing. Allele origin: germline.
Comment: In summary, the available evidence is currently insufficient to determine the role of this variant in disease. Therefore, it has been classified as a Variant of Uncertain Significance. Advanced modeling of protein sequence and biophysical properties (such as structural, functional, and spatial information, amino acid conservation, physicochemical variation, residue mobility, and thermodynamic stability) performed at Invitae indicates that this missense variant is not expected to disrupt RYR2 protein function. This variant has not been reported in the literature in individuals affected with RYR2-related conditions. This variant is not present in population databases (gnomAD no frequency). This sequence change replaces methionine, which is neutral and non-polar, with isoleucine, which is neutral and non-polar, at codon 3215 of the RYR2 protein (p.Met3215Ile).

NM_001035.3(RYR2):c.9645G>T (p.Met3215Ile)

Gene: RYR2 (ryanodine receptor 2; plus strand). Cytogenetic location: 1q43.
Variant type: single nucleotide variant.
Coding change: c.9645G>T on transcript NM_001035.3 (MANE Select); coding-DNA position 9645, G replaced by T.
Protein change: p.Met3215Ile; replaces methionine 3215 with isoleucine.
Molecular consequence: missense variant.
Genome position (GRCh38, 1-based): chr1:237,707,013, G>T. VCF-style: chr1-237707013-G-T. GRCh37 (hg19) VCF-style: chr1-237870313-G-T.
Other names: short protein forms M3215I.
Identifiers: ClinVar variation 2812053 (VCV002812053.3), dbSNP rs1688437148, ClinGen allele CA345408478.